The following is an entry in ClinVar:

NM_000975.5(RPL11):c.465_475dup (p.Lys159fs)

Gene: RPL11 (ribosomal protein L11; plus strand). Cytogenetic location: 1p36.11.
Variant type: Duplication.
Coding change: c.465_475dup on transcript NM_000975.5 (MANE Select); coding-DNA positions 465 to 475, 11 bases duplicated (CAGAATCAGCA).
Protein change: p.Lys159fs; shifts the reading frame from lysine 159.
Molecular consequence: frameshift variant.
Genome position (GRCh38, 1-based): chr1:23,695,866-23,695,876, CAGAATCAGCA duplicated; duplicating any 11 consecutive bases within chr1:23,695,864-23,695,876 gives the same sequence; the c. name uses the placement nearest the transcript's 3' end. VCF-style (leftmost placement, unchanged base first): chr1-23695863-A-ACACAGAATCAG. GRCh37 (hg19) VCF-style: chr1-24022353-A-ACACAGAATCAG.
Other names: c.462_472dup, p.Lys158fs (NM_001199802.1); short protein forms K159fs, K158fs.
Identifiers: ClinVar variation 1742180 (VCV001742180.2), dbSNP rs2523403053, ClinGen allele CA2580061513.

ClinVar aggregate classification (germline): Likely pathogenic (1 of 4 stars; one submission).

Conditions:
Diamond-Blackfan anemia. Also called: Blackfan Diamond syndrome; Aregenerative anemia chronic congenital; Red cell aplasia, pure hereditary; Congenital hypoplastic anemia; Aase syndrome. Identifiers: Orphanet 124, MedGen C1260899, MeSH D029503, MONDO:0015253, HP:0004810.

Submission:

Ambry Genetics
Classification: Likely pathogenic for Diamond-Blackfan anemia. Last evaluated: 2017-10-30. Review status: criteria provided, single submitter. Criteria: Ambry Variant Classification Scheme 2023. Collection method: clinical testing. Allele origin: germline.
Comment: The c.465_475dup11 variant, located in coding exon 5 of the RPL11 gene, results from a duplication of CAGAATCAGCA at nucleotide position 465, causing a translational frameshift with a predicted alternate stop codon (p.K159Tfs*39). Several similar frameshift alterations (c.462delA, c.465_466delCA, c.469delA, c.476_477delAA, c.482_484delAGG, c.489_490delGCinsT) have been identified in individuals with Diamond-Blackfan anemia, including three that impact residues downstream of amino acid position 159 (Gazda HT et al. Am. J. Hum. Genet. 2008 Dec;83(6):769-80; Quarello P et al. Haematologica. 2010 Feb;95(2):206-13; Gerrard G et al. Haematologica. 2013 Aug;162(4):530-6; Fores Ballester E et al. Clin Case Rep. 2015 Jun;3(6):392-5). Frameshifts are typically deleterious in nature; however, this frameshift occurs at the 3' terminus of RPL11, is not expected to trigger nonsense-mediated mRNA decay, and results in the elongation of the protein by 17 amino acids. The exact functional impact of these inserted amino acids is unknown at this time. Based on the majority of available evidence to date, this variant is likely to be pathogenic.

Literature cited by the submitters: PubMed 19061985; PubMed 19773262; PubMed 23718193; PubMed 26185635.